The following is an entry in ClinVar:

NM_001277115.2(DNAH11):c.5163_5164insCAGCC (p.Ile1722fs)

Gene: DNAH11 (dynein axonemal heavy chain 11; plus strand). Cytogenetic location: 7p15.3.
Variant type: Insertion.
Coding change: c.5163_5164insCAGCC on transcript NM_001277115.2 (MANE Select); coding-DNA positions 5163 to 5164, CAGCC inserted.
Protein change: p.Ile1722fs; shifts the reading frame from isoleucine 1722.
Molecular consequence: frameshift variant.
Genome position: GRCh38 VCF-style: chr7-21658862-A-AAGCCC. GRCh37 (hg19) VCF-style: chr7-21698480-A-AAGCCC.
Other names: short protein forms I1722fs.
Identifiers: ClinVar variation 3272605 (VCV003272605.1).

ClinVar aggregate classification (germline): Pathogenic (1 of 4 stars; one submission).

Conditions:
Primary ciliary dyskinesia. Also called: Ciliary dyskinesia. Identifiers: Orphanet 244, MedGen C0008780, MONDO:0016575, HP:0012265.

Submission:

Ambry Genetics
Classification: Pathogenic for Primary ciliary dyskinesia. Last evaluated: 2024-04-30. Review status: criteria provided, single submitter. Criteria: Ambry Variant Classification Scheme 2023. Collection method: clinical testing. Allele origin: germline.
Comment: The c.5163_5164insCAGCC pathogenic mutation, located in coding exon 30 of the DNAH11 gene, results from an insertion of 5 nucleotides at position 5163, causing a translational frameshift with a predicted alternate stop codon (p.I1722Qfs*3). This alteration is expected to result in loss of function by premature protein truncation or nonsense-mediated mRNA decay. As such, this alteration is interpreted as a disease-causing mutation.